The following is an entry in ClinVar:

NM_018897.3(DNAH7):c.1627-11_1630del

Gene: DNAH7 (dynein axonemal heavy chain 7; minus strand). Cytogenetic location: 2q32.3.
Variant type: Deletion.
Coding change: c.1627-11_1630del on transcript NM_018897.3 (MANE Select); 11 bases into the intron before coding-DNA position 1627 through coding-DNA position 1630, 15 bases deleted (ATCTTTTGCAGACTA).
Molecular consequence: splice acceptor variant.
Genome position (GRCh38, 1-based): chr2:195,987,190-195,987,204, TAGTCTGCAAAAGAT deleted on the plus strand (ATCTTTTGCAGACTA on the coding strand, the reverse complement: DNAH7 is on the minus strand); deleting any 15 consecutive bases within chr2:195,987,190-195,987,206 gives the same sequence; the c. name uses the placement nearest the transcript's 3' end. VCF-style (leftmost placement, unchanged base first): chr2-195987189-ATAGTCTGCAAAAGAT-A. GRCh37 (hg19) VCF-style: chr2-196851913-ATAGTCTGCAAAAGAT-A.
Identifiers: ClinVar variation 3239577 (VCV003239577.19), dbSNP rs2469309585.

ClinVar aggregate classification (germline): Uncertain significance (1 of 4 stars; one submission).

Submission:

CeGaT Center for Human Genetics Tuebingen
Classification: Uncertain significance. Last evaluated: 2024-05-01. Review status: criteria provided, single submitter. Criteria: CeGaT Center For Human Genetics Tuebingen Variant Classification Criteria Version 2. Collection method: clinical testing. Allele origin: germline. Affected: yes. Observed: 1 variant allele.
Comment: DNAH7: PM2